The following is an entry in ClinVar:

NM_001378778.1(MPDZ):c.1625A>G (p.Gln542Arg)

Gene: MPDZ (multiple PDZ domain crumbs cell polarity complex component; minus strand). Cytogenetic location: 9p23.
Variant type: single nucleotide variant.
Coding change: c.1625A>G on transcript NM_001378778.1 (MANE Select); coding-DNA position 1625, A replaced by G.
Protein change: p.Gln542Arg; replaces glutamine 542 with arginine.
Molecular consequence: missense variant.
Genome position (GRCh38, 1-based): chr9:13,196,152, T>C on the plus strand (A>G on the coding strand, the complement: MPDZ is on the minus strand). VCF-style: chr9-13196152-T-C. GRCh37 (hg19) VCF-style: chr9-13196151-T-C.
Other names: c.1625A>G, p.Gln542Arg (NM_001261406.2, NM_001261407.2, NM_001330637.2 and 14 more transcripts); short protein forms Q542R.
Identifiers: ClinVar variation 1486719 (VCV001486719.6), dbSNP rs2135270549, ClinGen allele CA372940937.

ClinVar aggregate classification (germline): Uncertain significance (1 of 4 stars; one submission).

Submission:

Labcorp Genetics (formerly Invitae), Labcorp
Classification: Uncertain significance. Last evaluated: 2025-02-03. Review status: criteria provided, single submitter. Criteria: Invitae Variant Classification Sherloc (09022015). Collection method: clinical testing. Allele origin: germline.
Comment: This sequence change replaces glutamine, which is neutral and polar, with arginine, which is basic and polar, at codon 542 of the MPDZ protein (p.Gln542Arg). This variant is not present in population databases (gnomAD no frequency). This variant has not been reported in the literature in individuals affected with MPDZ-related conditions. ClinVar contains an entry for this variant (Variation ID: 1486719). An algorithm developed to predict the effect of missense changes on protein structure and function (PolyPhen-2) suggests that this variant is likely to be disruptive. In summary, the available evidence is currently insufficient to determine the role of this variant in disease. Therefore, it has been classified as a Variant of Uncertain Significance.